The following is an entry in ClinVar:

NC_000019.10:g.(?_55140863)_(55147177_?)del

Genes: TNNT1 (troponin T1, slow skeletal type; minus strand), LOC130065089 (ATAC-STARR-seq lymphoblastoid active region 15077; plus strand). Cytogenetic location: 19q13.42.
Variant type: Deletion.
Identifiers: ClinVar variation 583940 (VCV000583940.1).

ClinVar aggregate classification (germline): Pathogenic (1 of 4 stars; one submission).

Conditions:
Nemaline myopathy 5 (NEM5A). Also called: NEMALINE MYOPATHY, AMISH TYPE; NEMALINE MYOPATHY 5A, AUTOSOMAL RECESSIVE, SEVERE INFANTILE; Nemaline myopathy 5, Amish type. Identifiers: Orphanet 98902, MedGen C1854380, MONDO:0011539, OMIM 605355.

Submission:

Labcorp Genetics (formerly Invitae), Labcorp
Classification: Pathogenic for Nemaline myopathy 5. Last evaluated: 2018-01-31. Review status: criteria provided, single submitter. Criteria: Invitae Variant Classification Sherloc (09022015). Collection method: clinical testing. Allele origin: germline.
Comment: This variant is a gross deletion of the genomic region encompassing exons 2-9 of the TNNT1 gene, which includes the initiator codon. The 5' end of this event is unknown as it extends beyond the assayed region for this gene and therefore may encompass additional genes. The 3' boundary is likely confined to intron 9 of the TNNT1 gene. This is expected to result in an absent or disrupted protein product. This variant has not been reported in the literature in individuals with TNNT1-related disease. Loss-of-function variants in TNNT1 are known to be pathogenic (PMID: 10952871, 24689076, 25430424). For these reasons, this variant has been classified as Pathogenic.